The following is an entry in ClinVar:

ClinVar aggregate classification (germline): Uncertain significance (1 of 4 stars; one submission).

Submission:

Labcorp Genetics (formerly Invitae), Labcorp
Classification: Uncertain significance. Last evaluated: 2022-12-13. Review status: criteria provided, single submitter. Criteria: Invitae Variant Classification Sherloc (09022015). Collection method: clinical testing. Allele origin: germline.
Comment: This variant has not been reported in the literature in individuals affected with DMXL2-related conditions. This variant is not present in population databases (gnomAD no frequency). This sequence change replaces histidine, which is basic and polar, with arginine, which is basic and polar, at codon 2852 of the DMXL2 protein (p.His2852Arg). In summary, the available evidence is currently insufficient to determine the role of this variant in disease. Therefore, it has been classified as a Variant of Uncertain Significance. Algorithms developed to predict the effect of missense changes on protein structure and function are either unavailable or do not agree on the potential impact of this missense change (SIFT: "Deleterious"; PolyPhen-2: "Probably Damaging"; Align-GVGD: "Class C0").

NM_001378457.1(DMXL2):c.8618A>G (p.His2873Arg)

Gene: DMXL2 (Dmx like 2; minus strand). Cytogenetic location: 15q21.2.
Variant type: single nucleotide variant.
Coding change: c.8618A>G on transcript NM_001378457.1 (MANE Select); coding-DNA position 8618, A replaced by G.
Protein change: p.His2873Arg; replaces histidine 2873 with arginine.
Molecular consequence: missense variant. On other transcripts: non-coding transcript variant (1).
Genome position (GRCh38, 1-based): chr15:51,453,628, T>C on the plus strand (A>G on the coding strand, the complement: DMXL2 is on the minus strand). VCF-style: chr15-51453628-T-C. GRCh37 (hg19) VCF-style: chr15-51745825-T-C.
Other names: c.8555A>G, p.His2852Arg (NM_001174116.3); c.6644A>G, p.His2215Arg (NM_001174117.3); c.8615A>G, p.His2872Arg (NM_001378458.1); c.8330A>G, p.His2777Arg (NM_001378459.1); c.6533A>G, p.His2178Arg (NM_001378460.1); c.8552A>G, p.His2851Arg (NM_015263.5); short protein forms H2873R, H2178R, H2215R, H2851R, H2872R, H2777R, H2852R.
Identifiers: ClinVar variation 2820179 (VCV002820179.3), dbSNP rs2542959804, ClinGen allele CA392431491.